The following is an entry in ClinVar:

ClinVar aggregate classification (germline): Uncertain significance (1 of 4 stars; one submission).

Conditions:
Hereditary cancer-predisposing syndrome. Also called: Neoplastic Syndromes, Hereditary; Hereditary Cancer Syndrome; Tumor predisposition; Hereditary neoplastic syndrome. Identifiers: Orphanet 140162, MedGen C0027672, MeSH D009386, MONDO:0015356.

Submission:

Ambry Genetics
Classification: Uncertain significance for Hereditary cancer-predisposing syndrome. Last evaluated: 2025-01-23. Review status: criteria provided, single submitter. Criteria: Ambry Variant Classification Scheme 2023. Collection method: clinical testing. Allele origin: germline.
Comment: The p.E444Q variant (also known as c.1330G>C), located in coding exon 9 of the RAD50 gene, results from a G to C substitution at nucleotide position 1330. The glutamic acid at codon 444 is replaced by glutamine, an amino acid with highly similar properties. This amino acid position is conserved. In addition, this alteration is predicted to be tolerated by in silico analysis. Based on the available evidence, the clinical significance of this variant remains unclear.

NM_005732.4(RAD50):c.1330G>C (p.Glu444Gln)

Gene: RAD50 (RAD50 double strand break repair protein; plus strand). Cytogenetic location: 5q31.1.
Variant type: single nucleotide variant.
Coding change: c.1330G>C on transcript NM_005732.4 (MANE Select); coding-DNA position 1330, G replaced by C.
Protein change: p.Glu444Gln; replaces glutamic acid 444 with glutamine.
Molecular consequence: missense variant.
Genome position (GRCh38, 1-based): chr5:132,589,715, G>C. VCF-style: chr5-132589715-G-C. GRCh37 (hg19) VCF-style: chr5-131925407-G-C.
Other names: short protein forms E444Q.
Identifiers: ClinVar variation 3786297 (VCV003786297.1).